The following is an entry in ClinVar:

ClinVar aggregate classification (germline): Uncertain significance. Review status: criteria provided, single submitter (1 of 4 stars). 2 submissions from 2 submitters: Uncertain significance (1). 1 of the submissions does not count toward it. Last evaluated 2022-05-25.

Conditions:
Phenylketonuria (PKU). Also called: Phenylketonuria (PKU); OLIGOPHRENIA PHENYLPYRUVICA; FOLLING DISEASE; Phenylketonurias. Identifiers: Orphanet 716, MedGen C0031485, MONDO:0009861, OMIM 261600. Disease mechanism: loss of function.
PAH-related disorder. Also called: PAH-related condition.

Allele frequency attached by ClinVar (database versions not stated): gnomAD 0.00002; TOPMed 0.00001; gnomAD exomes below 0.00001; ExAC 0.00001.
gnomAD v4.1: 11 of 1,612,564 alleles (0.00068%); highest among the groups gnomAD compares: African/African-American, 0.0094%; no homozygotes.

Submissions (2):

Labcorp Genetics (formerly Invitae), Labcorp
Classification: Uncertain significance for Phenylketonuria. Last evaluated: 2022-05-25. Review status: criteria provided, single submitter. Criteria: Invitae Variant Classification Sherloc (09022015). Collection method: clinical testing. Allele origin: germline.
Comment: This sequence change falls in intron 8 of the PAH gene. It does not directly change the encoded amino acid sequence of the PAH protein. This variant is present in population databases (rs62507264, gnomAD 0.006%). This variant has not been reported in the literature in individuals affected with PAH-related conditions. Algorithms developed to predict the effect of sequence changes on RNA splicing suggest that this variant may disrupt the consensus splice site. In summary, the available evidence is currently insufficient to determine the role of this variant in disease. Therefore, it has been classified as a Variant of Uncertain Significance.

PreventionGenetics, part of Exact Sciences
Classification: Likely benign for PAH-related condition. Last evaluated: 2020-02-26. Review status: no assertion criteria provided. Collection method: clinical testing. Allele origin: germline. Not counted in ClinVar's aggregate classification.
Comment: This variant is classified as likely benign based on ACMG/AMP sequence variant interpretation guidelines (Richards et al. 2015 PMID: 25741868, with internal and published modifications).

NM_000277.3(PAH):c.913-5T>C

Gene: PAH (phenylalanine hydroxylase; minus strand). Cytogenetic location: 12q23.2.
Variant type: single nucleotide variant.
Coding change: c.913-5T>C on transcript NM_000277.3 (MANE Select); 5 bases into the intron before coding-DNA position 913, T replaced by C.
Molecular consequence: intron variant.
Genome position (GRCh38, 1-based): chr12:102,846,956, A>G on the plus strand (T>C on the coding strand, the complement: PAH is on the minus strand). VCF-style: chr12-102846956-A-G. GRCh37 (hg19) VCF-style: chr12-103240734-A-G.
Other names: c.913-5T>C (NM_001354304.2, NM_000277.1).
Identifiers: ClinVar variation 2139983 (VCV002139983.3), dbSNP rs62507264, ClinGen allele CA6748792.